The following is an entry in ClinVar:

NM_000341.4(SLC3A1):c.1094G>A (p.Arg365Gln)

Gene: SLC3A1 (solute carrier family 3 member 1; plus strand). Cytogenetic location: 2p21.
Variant type: single nucleotide variant.
Coding change: c.1094G>A on transcript NM_000341.4 (MANE Select); coding-DNA position 1094, G replaced by A.
Protein change: p.Arg365Gln; replaces arginine 365 with glutamine.
Molecular consequence: missense variant.
Genome position (GRCh38, 1-based): chr2:44,301,085, G>A. VCF-style: chr2-44301085-G-A. GRCh37 (hg19) VCF-style: chr2-44528224-G-A.
Other names: short protein forms R365Q.
Identifiers: ClinVar variation 562304 (VCV000562304.15), dbSNP rs567478582, ClinGen allele CA1640408.

ClinVar aggregate classification (germline): Pathogenic/Likely pathogenic. Review status: criteria provided, multiple submitters, no conflicts (2 of 4 stars). 6 submissions from 6 submitters: Pathogenic (3); Likely pathogenic (2). 1 of the submissions does not count toward it. Last evaluated 2025-10-03.

Conditions:
SLC3A1-related disorder. Also called: SLC3A1-related condition.
Cystinuria (CSNU). Also called: Cystinuria, non-type I; CYSTINURIA, TYPE I; CYSTINURIA, TYPE II; CYSTINURIA, TYPE III. Identifiers: Orphanet 214, MedGen C0010691, MONDO:0009067, OMIM 220100, HP:0003131.

Allele frequency attached by ClinVar (database versions not stated): TOPMed 0.00005; 1000 Genomes Project 0.00020; 1000 Genomes Project 30x 0.00031.
gnomAD v4.1: 69 of 1,614,054 alleles (0.0043%); highest among the groups gnomAD compares: Non-Finnish European, 0.0057%; no homozygotes.

Submissions (6):

Rare Kidney Stone Consortium and the Mayo Clinic Hyperoxaluria Center, Mayo Clinic
Classification: Pathogenic for Cystinuria. Last evaluated: 2025-10-03. Review status: criteria provided, single submitter. Criteria: ACMG Guidelines, 2015. Collection method: research. Allele origin: germline. Affected: yes. Observed: 1 variant allele.
Comment: ACMG:PM1, PM2, PP3, PP4, PP5

PreventionGenetics, part of Exact Sciences
Classification: Pathogenic for SLC3A1-related condition. Last evaluated: 2025-08-01. Review status: criteria provided, single submitter. Criteria: ACMG Guidelines, 2015. Collection method: clinical testing. Allele origin: germline.
Comment: The SLC3A1 c.1094G>A variant is predicted to result in the amino acid substitution p.Arg365Gln. This variant has been reported in at least three individuals with either autosomal dominant or recessive cystinuria (Schmidt et al. 2004. PubMed ID: 14991253; Tkaczyk et al. 2021. PubMed ID: 33349102). It is reported in 0.0062% of alleles in individuals of African descent in gnomAD. Alternate missense changes at the same amino acid position (p.Arg365Trp, p.Arg365Pro, p.Arg365Leu) have been reported in the homozygous or compound heterozygous state in individuals with cystinuria (Gasparini et al. 1995. PubMed ID: 7573036; Skopkova et al. 2005. PubMed ID: 16138908; Schmidt et al. 2004. PubMed ID: 14991253). This variant is interpreted as pathogenic.

Fulgent Genetics
Classification: Likely pathogenic for Cystinuria. Last evaluated: 2024-03-19. Review status: criteria provided, single submitter. Criteria: ACMG Guidelines, 2015. Collection method: clinical testing. Allele origin: germline.

Labcorp Genetics (formerly Invitae), Labcorp
Classification: Pathogenic for Cystinuria. Last evaluated: 2023-09-25. Review status: criteria provided, single submitter. Criteria: Invitae Variant Classification Sherloc (09022015). Collection method: clinical testing. Allele origin: germline.
Comment: This sequence change replaces arginine, which is basic and polar, with glutamine, which is neutral and polar, at codon 365 of the SLC3A1 protein (p.Arg365Gln). This variant is present in population databases (rs567478582, gnomAD 0.007%). This missense change has been observed in individual(s) with cystinuria (PMID: 14991253, 25109415, 33349102; Invitae). ClinVar contains an entry for this variant (Variation ID: 562304). Advanced modeling of protein sequence and biophysical properties (such as structural, functional, and spatial information, amino acid conservation, physicochemical variation, residue mobility, and thermodynamic stability) has been performed at Invitae for this missense variant, however the output from this modeling did not meet the statistical confidence thresholds required to predict the impact of this variant on SLC3A1 protein function. This variant disrupts the p.Arg365 amino acid residue in SLC3A1. Other variant(s) that disrupt this residue have been determined to be pathogenic (PMID: 12234283, 14561219, 18332091, 25964309). This suggests that this residue is clinically significant, and that variants that disrupt this residue are likely to be disease-causing. For these reasons, this variant has been classified as Pathogenic.

Blueprint Genetics
Classification: Likely pathogenic for SLC3A1-related disorders. Last evaluated: 2020-09-14. Review status: criteria provided, single submitter. Criteria: ACMG Guidelines, 2015. Collection method: clinical testing. Allele origin: germline. Affected: yes. Observed: 5 variant alleles.

Gharavi Laboratory, Columbia University
Classification: Likely pathogenic. Last evaluated: 2018-09-16. Review status: no assertion criteria provided. Criteria: ACMG Guidelines, 2015. Collection method: research. Allele origin: germline. Affected: yes. Not counted in ClinVar's aggregate classification.

Literature cited by the submitters: PubMed 14991253 (cited by Rare Kidney Stone Consortium and the Mayo Clinic Hyperoxaluria Center, Mayo Clinic and Labcorp Genetics (formerly Invitae), Labcorp); PubMed 28812535 (cited by Rare Kidney Stone Consortium and the Mayo Clinic Hyperoxaluria Center, Mayo Clinic); PubMed 31589614 (cited by Rare Kidney Stone Consortium and the Mayo Clinic Hyperoxaluria Center, Mayo Clinic); PubMed 30586318 (cited by Rare Kidney Stone Consortium and the Mayo Clinic Hyperoxaluria Center, Mayo Clinic); PubMed 40794449 (cited by Rare Kidney Stone Consortium and the Mayo Clinic Hyperoxaluria Center, Mayo Clinic); PubMed 25109415 (cited by Labcorp Genetics (formerly Invitae), Labcorp); PubMed 33349102 (cited by Labcorp Genetics (formerly Invitae), Labcorp); PubMed 12234283 (cited by Labcorp Genetics (formerly Invitae), Labcorp); PubMed 14561219 (cited by Labcorp Genetics (formerly Invitae), Labcorp); PubMed 18332091 (cited by Labcorp Genetics (formerly Invitae), Labcorp); PubMed 25964309 (cited by Labcorp Genetics (formerly Invitae), Labcorp).